The following is an entry in ClinVar:

ClinVar aggregate classification (germline): Likely benign. Review status: criteria provided, multiple submitters, no conflicts (2 of 4 stars). 2 submissions from 2 submitters: Likely benign (2). Last evaluated 2024-04-05.

Conditions:
Diffuse cerebral and cerebellar atrophy - intractable seizures - progressive microcephaly syndrome. Also called: Microcephaly, progressive, with seizures and cerebral and cerebellar atrophy. Identifiers: Orphanet 404437, MedGen C4014239, MONDO:0014335, OMIM 615760.

Allele frequency attached by ClinVar (database versions not stated): gnomAD 0.00001 and 0.00002; TOPMed 0.00001; ExAC 0.00002; gnomAD exomes 0.00002; ESP Exome Variant Server 0.00008.
gnomAD v4.1: 38 of 1,614,164 alleles (0.0024%); highest among the groups gnomAD compares: Non-Finnish European, 0.0031%; no homozygotes.

Submissions (2):

Labcorp Genetics (formerly Invitae), Labcorp
Classification: Likely benign for Diffuse cerebral and cerebellar atrophy - intractable seizures - progressive microcephaly syndrome. Last evaluated: 2024-04-05. Review status: criteria provided, single submitter. Criteria: Invitae Variant Classification Sherloc (09022015). Collection method: clinical testing. Allele origin: germline.

GeneDx
Classification: Likely benign. Last evaluated: 2016-08-15. Review status: criteria provided, single submitter. Criteria: GeneDx Variant Classification (06012015). Collection method: clinical testing. Allele origin: germline. Affected: yes.
Comment: This variant is considered likely benign or benign based on one or more of the following criteria: it is a conservative change, it occurs at a poorly conserved position in the protein, it is predicted to be benign by multiple in silico algorithms, and/or has population frequency not consistent with disease.

NM_005051.3(QARS1):c.1056-13C>T

Gene: QARS1 (glutaminyl-tRNA synthetase 1; minus strand). Cytogenetic location: 3p21.31.
Variant type: single nucleotide variant.
Coding change: c.1056-13C>T on transcript NM_005051.3 (MANE Select); 13 bases into the intron before coding-DNA position 1056, C replaced by T.
Molecular consequence: intron variant.
Genome position (GRCh38, 1-based): chr3:49,100,311, G>A on the plus strand (C>T on the coding strand, the complement: QARS1 is on the minus strand). VCF-style: chr3-49100311-G-A. GRCh37 (hg19) VCF-style: chr3-49137744-G-A.
Other names: c.1023-13C>T (NM_001272073.2).
Identifiers: ClinVar variation 388565 (VCV000388565.9), dbSNP rs369771745, ClinGen allele CA2391891.